The following is an entry in ClinVar:

ClinVar aggregate classification (germline): Uncertain significance (1 of 4 stars; one submission).

Conditions:
Inborn genetic diseases. Identifiers: MedGen C0950123, MeSH D030342.

Submission:

Ambry Genetics
Classification: Uncertain significance for Inborn genetic diseases. Last evaluated: 2024-05-06. Review status: criteria provided, single submitter. Criteria: Ambry Variant Classification Scheme 2023. Collection method: clinical testing. Allele origin: germline.
Comment: The p.V1598L variant (also known as c.4792G>C), located in coding exon 33 of the LRRK2 gene, results from a G to C substitution at nucleotide position 4792. The valine at codon 1598 is replaced by leucine, an amino acid with highly similar properties. This amino acid position is conserved. In addition, the in silico prediction for this alteration is inconclusive. Based on the available evidence, the clinical significance of this variant remains unclear.

NM_198578.4(LRRK2):c.4792G>C (p.Val1598Leu)

Gene: LRRK2 (leucine rich repeat kinase 2; plus strand). Cytogenetic location: 12q12.
Variant type: single nucleotide variant.
Coding change: c.4792G>C on transcript NM_198578.4 (MANE Select); coding-DNA position 4792, G replaced by C.
Protein change: p.Val1598Leu; replaces valine 1598 with leucine.
Molecular consequence: missense variant.
Genome position (GRCh38, 1-based): chr12:40,315,265, G>C. VCF-style: chr12-40315265-G-C. GRCh37 (hg19) VCF-style: chr12-40709067-G-C.
Other names: short protein forms V1598L.
Identifiers: ClinVar variation 3291993 (VCV003291993.1).